The following is an entry in ClinVar:

ClinVar aggregate classification (germline): Uncertain significance. Review status: criteria provided, multiple submitters, no conflicts (2 of 4 stars). 2 submissions from 2 submitters: Uncertain significance (2). Last evaluated 2025-05-21.

Conditions:
Inborn genetic diseases. Identifiers: MedGen C0950123, MeSH D030342.
Hypermethioninemia with deficiency of S-adenosylhomocysteine hydrolase. Identifiers: Orphanet 88618, MedGen C3151058, MONDO:0013404, OMIM 613752.

Allele frequency attached by ClinVar (database versions not stated): TOPMed 0.00001; ExAC 0.00002; gnomAD 0.00002; gnomAD exomes 0.00003.
gnomAD v4.1: 51 of 1,614,032 alleles (0.0032%); highest among the groups gnomAD compares: Non-Finnish European, 0.0042%; no homozygotes.

Submissions (2):

Ambry Genetics
Classification: Uncertain significance for Inborn genetic diseases. Last evaluated: 2025-05-21. Review status: criteria provided, single submitter. Criteria: Ambry Variant Classification Scheme 2023. Collection method: clinical testing. Allele origin: germline.

Labcorp Genetics (formerly Invitae), Labcorp
Classification: Uncertain significance for Hypermethioninemia with deficiency of S-adenosylhomocysteine hydrolase. Last evaluated: 2022-06-07. Review status: criteria provided, single submitter. Criteria: Invitae Variant Classification Sherloc (09022015). Collection method: clinical testing. Allele origin: germline.
Comment: In summary, the available evidence is currently insufficient to determine the role of this variant in disease. Therefore, it has been classified as a Variant of Uncertain Significance. Algorithms developed to predict the effect of missense changes on protein structure and function are either unavailable or do not agree on the potential impact of this missense change (SIFT: "Not Available"; PolyPhen-2: "Possibly Damaging"; Align-GVGD: "Not Available"). This variant has not been reported in the literature in individuals affected with AHCY-related conditions. This variant is present in population databases (rs766462838, gnomAD 0.002%). This sequence change replaces aspartic acid, which is acidic and polar, with histidine, which is basic and polar, at codon 23 of the AHCY protein (p.Asp23His).

NM_000687.4(AHCY):c.67G>C (p.Asp23His)

Gene: AHCY (adenosylhomocysteinase; minus strand). Cytogenetic location: 20q11.22.
Variant type: single nucleotide variant.
Coding change: c.67G>C on transcript NM_000687.4 (MANE Select); coding-DNA position 67, G replaced by C.
Protein change: p.Asp23His; replaces aspartic acid 23 with histidine.
Molecular consequence: missense variant. On other transcripts: 5 prime UTR variant (3).
Genome position (GRCh38, 1-based): chr20:34,295,547, C>G on the plus strand (G>C on the coding strand, the complement: AHCY is on the minus strand). VCF-style: chr20-34295547-C-G. GRCh37 (hg19) VCF-style: chr20-32883353-C-G.
Other names: c.-18G>C (NM_001161766.2, NM_001322084.2, NM_001322085.2); c.73G>C, p.Asp25His (NM_001322086.2); c.67G>C, p.Asp23His (NM_001362750.2); c.67G>C (NM_000687.2); short protein forms D23H, D25H.
Identifiers: ClinVar variation 1980152 (VCV001980152.4), dbSNP rs766462838, ClinGen allele CA9821144.